The following is an entry in ClinVar:

ClinVar aggregate classification (germline): Uncertain significance (1 of 4 stars; one submission).

Conditions:
Hereditary sensory and autonomic neuropathy type 6. Also called: HSAN VI; Neuropathy, hereditary sensory and autonomic, type VI. Identifiers: Orphanet 314381, MedGen C3539003, MONDO:0013839, OMIM 614653.
Epidermolysis bullosa simplex 3, localized or generalized intermediate, with BP230 deficiency (EBS3). Also called: Epidermolysis bullosa simplex, autosomal recessive 2; Epidermolysis bullosa simplex due to BP230 deficiency. Identifiers: Orphanet 412181, MedGen C3809470, MONDO:0014180, OMIM 615425.

gnomAD v4.1: 1 of 1,614,028 alleles (0.000062%); highest among the groups gnomAD compares: Non-Finnish European, 0.000085%; no homozygotes.

Submission:

Labcorp Genetics (formerly Invitae), Labcorp
Classification: Uncertain significance for Epidermolysis bullosa simplex 3, localized or generalized intermediate, with BP230 deficiency; Hereditary sensory and autonomic neuropathy type 6. Last evaluated: 2022-03-05. Review status: criteria provided, single submitter. Criteria: Invitae Variant Classification Sherloc (09022015). Collection method: clinical testing. Allele origin: germline.
Comment: This sequence change replaces alanine, which is neutral and non-polar, with aspartic acid, which is acidic and polar, at codon 1343 of the DST protein (p.Ala1343Asp). This variant is not present in population databases (gnomAD no frequency). This variant has not been reported in the literature in individuals affected with DST-related conditions. Algorithms developed to predict the effect of missense changes on protein structure and function are either unavailable or do not agree on the potential impact of this missense change (SIFT: "Deleterious"; PolyPhen-2: "Benign"; Align-GVGD: "Class C15"). In summary, the available evidence is currently insufficient to determine the role of this variant in disease. Therefore, it has been classified as a Variant of Uncertain Significance.

NM_001723.7(DST):c.4028C>A (p.Ala1343Asp)

Gene: DST (dystonin; minus strand). Cytogenetic location: 6p12.1.
Variant type: single nucleotide variant.
Coding change: c.4028C>A on transcript NM_001723.7 (MANE Plus Clinical); coding-DNA position 4028, C replaced by A.
Protein change: p.Ala1343Asp; replaces alanine 1343 with aspartic acid.
Molecular consequence: missense variant. On other transcripts: intron variant (10).
Genome position (GRCh38, 1-based): chr6:56,620,006, G>T on the plus strand (C>A on the coding strand, the complement: DST is on the minus strand). VCF-style: chr6-56620006-G-T. GRCh37 (hg19) VCF-style: chr6-56484804-G-T.
Other names: c.4830+4524C>A (NM_001144769.5); c.4929+4524C>A (NM_001374722.1, NM_001374736.1); c.4956+4524C>A (NM_001374734.1); c.4416+4524C>A (NM_001144770.2); c.4296+4524C>A (NM_001374730.1, NM_001386100.1, NM_183380.4 and 1 more transcripts); c.3318+4524C>A (NM_015548.5); short protein forms A1343D.
Identifiers: ClinVar variation 1907813 (VCV001907813.2), dbSNP rs2536730544, ClinGen allele CA364570580.